The following is an entry in ClinVar:

NM_004453.4(ETFDH):c.22C>G (p.Leu8Val)

Gene: ETFDH (electron transfer flavoprotein dehydrogenase; plus strand). Cytogenetic location: 4q32.1.
Variant type: single nucleotide variant.
Coding change: c.22C>G on transcript NM_004453.4 (MANE Select); coding-DNA position 22, C replaced by G.
Protein change: p.Leu8Val; replaces leucine 8 with valine.
Molecular consequence: missense variant.
Genome position (GRCh38, 1-based): chr4:158,672,478, C>G. VCF-style: chr4-158672478-C-G. GRCh37 (hg19) VCF-style: chr4-159593630-C-G.
Other names: p.L8V:CTG>GTG; c.22C>G, p.Leu8Val (NM_001281737.2); short protein forms L8V.
Identifiers: ClinVar variation 203709 (VCV000203709.1), dbSNP rs796051956, ClinGen allele CA312517.

ClinVar aggregate classification (germline): Likely benign (1 of 4 stars; one submission).

Allele frequency attached by ClinVar (database versions not stated): gnomAD exomes below 0.00001; gnomAD 0.00001; TOPMed 0.00001.
gnomAD v4.1: 19 of 1,614,050 alleles (0.0012%); highest among the groups gnomAD compares: Non-Finnish European, 0.0016%; no homozygotes.

Submission:

GeneDx
Classification: Likely benign. Last evaluated: 2012-12-04. Review status: criteria provided, single submitter. Criteria: GeneDx Variant Classification (06012015). Collection method: clinical testing. Allele origin: germline. Affected: yes.
Comment: This variant is considered likely benign or benign based on one or more of the following criteria: it is a conservative change, it occurs at a poorly conserved position in the protein, it is predicted to be benign by multiple in silico algorithms, and/or has population frequency not consistent with disease.